The following is an entry in ClinVar:

NM_005732.4(RAD50):c.3772C>T (p.Gln1258Ter)

Genes: TH2LCRR (T helper type 2 locus control region associated RNA; minus strand), RAD50 (RAD50 double strand break repair protein; plus strand). Cytogenetic location: 5q31.1.
Variant type: single nucleotide variant.
Coding change: c.3772C>T on transcript NM_005732.4 (MANE Select); coding-DNA position 3772, C replaced by T.
Protein change: p.Gln1258Ter; replaces glutamine 1258 with a stop codon.
Molecular consequence: nonsense.
Genome position (GRCh38, 1-based): chr5:132,642,197, C>T. VCF-style: chr5-132642197-C-T. GRCh37 (hg19) VCF-style: chr5-131977889-C-T.
Other names: short protein forms Q1258*.
Identifiers: ClinVar variation 1472452 (VCV001472452.6), dbSNP rs863224741, ClinGen allele CA360935665.

ClinVar aggregate classification (germline): Likely pathogenic (1 of 4 stars; one submission).

Conditions:
Hereditary cancer-predisposing syndrome. Also called: Neoplastic Syndromes, Hereditary; Hereditary Cancer Syndrome; Tumor predisposition; Hereditary neoplastic syndrome. Identifiers: Orphanet 140162, MedGen C0027672, MeSH D009386, MONDO:0015356.

Submission:

Labcorp Genetics (formerly Invitae), Labcorp
Classification: Likely pathogenic for Hereditary cancer-predisposing syndrome. Last evaluated: 2025-01-20. Review status: criteria provided, single submitter. Criteria: Invitae Variant Classification Sherloc (09022015). Collection method: clinical testing. Allele origin: germline.
Comment: This sequence change creates a premature translational stop signal (p.Gln1258*) in the RAD50 gene. While this is not anticipated to result in nonsense mediated decay, it is expected to disrupt the last 55 amino acid(s) of the RAD50 protein. This variant is not present in population databases (gnomAD no frequency). This variant has not been reported in the literature in individuals affected with RAD50-related conditions. ClinVar contains an entry for this variant (Variation ID: 1472452). Algorithms developed to predict the effect of sequence changes on RNA splicing suggest that this variant may disrupt the consensus splice site. This variant disrupts the ATPase-C domain, which is important for RAD50 ATPase activity (PMID: 10892749, 24894818). While functional studies have not been performed to directly test the effect of this variant on RAD50 protein function, this suggests that disruption of this region of the protein is causative of disease. In summary, the currently available evidence indicates that the variant is pathogenic, but additional data are needed to prove that conclusively. Therefore, this variant has been classified as Likely Pathogenic.

Literature cited by the submitters: PubMed 10892749; PubMed 24894818.